The following is an entry in ClinVar:

ClinVar aggregate classification (germline): Uncertain significance (1 of 4 stars; one submission).

Conditions:
Cardiovascular phenotype. Identifiers: MedGen CN230736.

Submission:

Ambry Genetics
Classification: Uncertain significance for Cardiovascular phenotype. Last evaluated: 2026-02-13. Review status: criteria provided, single submitter. Criteria: Ambry Variant Classification Scheme 2023. Collection method: clinical testing. Allele origin: germline.
Comment: The p.V487G variant (also known as c.1460T>G), located in coding exon 4 of the BAG3 gene, results from a T to G substitution at nucleotide position 1460. The valine at codon 487 is replaced by glycine, an amino acid with dissimilar properties. This amino acid position is conserved. In addition, this alteration is predicted to be deleterious by in silico analysis. Based on the available evidence, the clinical significance of this variant remains unclear.

NM_004281.4(BAG3):c.1460T>G (p.Val487Gly)

Gene: BAG3 (BAG cochaperone 3; plus strand). Cytogenetic location: 10q26.11.
Variant type: single nucleotide variant.
Coding change: c.1460T>G on transcript NM_004281.4 (MANE Select); coding-DNA position 1460, T replaced by G.
Protein change: p.Val487Gly; replaces valine 487 with glycine.
Molecular consequence: missense variant.
Genome position (GRCh38, 1-based): chr10:119,677,014, T>G. VCF-style: chr10-119677014-T-G. GRCh37 (hg19) VCF-style: chr10-121436526-T-G.
Other names: short protein forms V487G.
Identifiers: ClinVar variation 4825248 (VCV004825248.1).
Genomic context (GRCh38, chr10:119,677,014, plus strand): 5'-CAGTGGACCCCGAGGGACGAGCCGATGTGCGTCAGGCCAGGAGAGACGGTGTCAGGAAGG[T>G]TCAGACCATCTTGGAAAAACTTGAACAGAAAGCCATTGATGTCCCAGGTCAAGTCCAGGT-3'
Protein context (NP_004272.2, residues 477-497): RQARRDGVRK[Val487Gly]QTILEKLEQK